The following is an entry in ClinVar:

NM_001377.3(DYNC2H1):c.10241A>G (p.Asp3414Gly)

Gene: DYNC2H1 (dynein cytoplasmic 2 heavy chain 1; plus strand). Cytogenetic location: 11q22.3.
Variant type: single nucleotide variant.
Coding change: c.10241A>G on transcript NM_001377.3 (MANE Select); coding-DNA position 10241, A replaced by G.
Protein change: p.Asp3414Gly; replaces aspartic acid 3414 with glycine.
Molecular consequence: missense variant.
Genome position (GRCh38, 1-based): chr11:103,255,449, A>G. VCF-style: chr11-103255449-A-G. GRCh37 (hg19) VCF-style: chr11-103126178-A-G.
Other names: c.10262A>G, p.Asp3421Gly (NM_001080463.2); short protein forms D3421G, D3414G.
Identifiers: ClinVar variation 1443598 (VCV001443598.6), dbSNP rs1427712341, ClinGen allele CA382249183.
Genomic context (GRCh38, chr11:103,255,449, plus strand): 5'-TTACCTTGTCTTTTTGTTATCCCAAGCTTTTAGCTTTAACCATTCAGCATGAGAAACCTG[A>G]TTTAGAAGAACAGAAAACAAAACTATTACAACAGGAAGAAGATAAGAAAATACAGCTAGC-3'
Protein context (NP_001368.2, residues 3404-3424): LALTIQHEKP[Asp3414Gly]LEEQKTKLLQ

ClinVar aggregate classification (germline): Uncertain significance (1 of 4 stars; one submission).

Conditions:
Jeune thoracic dystrophy. Also called: Jeune syndrome; Infantile thoracic dystrophy; Thoracic pelvic phalangeal dystrophy; Jeune's syndrome; Chondroectodermal dysplasia-like syndrome; Short-rib thoracic dysplasia. Identifiers: Orphanet 474, MedGen C0265275, MONDO:0018770.

Allele frequency attached by ClinVar (database versions not stated): gnomAD exomes below 0.00001; gnomAD 0.00001.
gnomAD v4.1: 7 of 1,568,138 alleles (0.00045%); highest among the groups gnomAD compares: Admixed American, 0.0056%; no homozygotes.

Submission:

Labcorp Genetics (formerly Invitae), Labcorp
Classification: Uncertain significance for Jeune thoracic dystrophy. Last evaluated: 2024-10-07. Review status: criteria provided, single submitter. Criteria: Invitae Variant Classification Sherloc (09022015). Collection method: clinical testing. Allele origin: germline.
Comment: This sequence change replaces aspartic acid, which is acidic and polar, with glycine, which is neutral and non-polar, at codon 3421 of the DYNC2H1 protein (p.Asp3421Gly). The frequency data for this variant in the population databases is considered unreliable, as metrics indicate poor data quality at this position in the gnomAD database. This variant has not been reported in the literature in individuals affected with DYNC2H1-related conditions. ClinVar contains an entry for this variant (Variation ID: 1443598). Invitae Evidence Modeling of protein sequence and biophysical properties (such as structural, functional, and spatial information, amino acid conservation, physicochemical variation, residue mobility, and thermodynamic stability) has been performed for this missense variant. However, the output from this modeling did not meet the statistical confidence thresholds required to predict the impact of this variant on DYNC2H1 protein function. In summary, the available evidence is currently insufficient to determine the role of this variant in disease. Therefore, it has been classified as a Variant of Uncertain Significance.